The following is an entry in ClinVar:

NM_000548.5(TSC2):c.4816T>G (p.Phe1606Val)

Gene: TSC2 (TSC complex subunit 2; plus strand). Cytogenetic location: 16p13.3.
Variant type: single nucleotide variant.
Coding change: c.4816T>G on transcript NM_000548.5 (MANE Select); coding-DNA position 4816, T replaced by G.
Protein change: p.Phe1606Val; replaces phenylalanine 1606 with valine.
Molecular consequence: missense variant.
Genome position (GRCh38, 1-based): chr16:2,086,346, T>G. VCF-style: chr16-2086346-T-G. GRCh37 (hg19) VCF-style: chr16-2136347-T-G.
Other names: c.4615T>G, p.Phe1539Val (NM_001077183.3); c.4747T>G, p.Phe1583Val (NM_001114382.3); c.4507T>G, p.Phe1503Val (NM_001318827.2); c.4471T>G, p.Phe1491Val (NM_001318829.2); c.4084T>G, p.Phe1362Val (NM_001318831.2); c.4648T>G, p.Phe1550Val (NM_001318832.2); c.4618T>G, p.Phe1540Val (NM_001363528.2); c.4684T>G, p.Phe1562Val (NM_001370404.1); and 1 more; short protein forms F1503V, F1550V, F1563V, F1362V, F1562V, F1491V, F1539V, F1540V.
Identifiers: ClinVar variation 954393 (VCV000954393.11), dbSNP rs2090786390, ClinGen allele CA394308085.

ClinVar aggregate classification (germline): Uncertain significance. Review status: criteria provided, multiple submitters, no conflicts (2 of 4 stars). 2 submissions from 2 submitters: Uncertain significance (2). Last evaluated 2026-05-08.

Conditions:
Hereditary cancer-predisposing syndrome. Also called: Hereditary Cancer Syndrome; Neoplastic Syndromes, Hereditary; Tumor predisposition; Hereditary neoplastic syndrome. Identifiers: Orphanet 140162, MedGen C0027672, MeSH D009386, MONDO:0015356.
Tuberous sclerosis 2 (TSC2). Identifiers: Orphanet 805, MedGen C1860707, MONDO:0013199, OMIM 613254.

Allele frequency attached by ClinVar (database versions not stated): gnomAD exomes below 0.00001.
gnomAD v4.1: 1 of 1,612,834 alleles (0.000062%); highest among the groups gnomAD compares: Non-Finnish European, 0.000085%; no homozygotes.

Submissions (2):

Ambry Genetics
Classification: Uncertain significance for Hereditary cancer-predisposing syndrome. Last evaluated: 2026-05-08. Review status: criteria provided, single submitter. Criteria: Ambry Variant Classification Scheme 2023. Collection method: clinical testing. Allele origin: germline.
Comment: The p.F1606V variant (also known as c.4816T>G), located in coding exon 36 of the TSC2 gene, results from a T to G substitution at nucleotide position 4816. The phenylalanine at codon 1606 is replaced by valine, an amino acid with highly similar properties. This amino acid position is highly conserved in available vertebrate species. In addition, this alteration is predicted to be deleterious by in silico analysis. Based on the available evidence, the clinical significance of this variant remains unclear.

Labcorp Genetics (formerly Invitae), Labcorp
Classification: Uncertain significance for Tuberous sclerosis 2. Last evaluated: 2019-09-07. Review status: criteria provided, single submitter. Criteria: Invitae Variant Classification Sherloc (09022015). Collection method: clinical testing. Allele origin: germline.
Comment: In summary, the available evidence is currently insufficient to determine the role of this variant in disease. Therefore, it has been classified as a Variant of Uncertain Significance. Algorithms developed to predict the effect of sequence changes on RNA splicing suggest that this variant may create or strengthen a splice site, but this prediction has not been confirmed by published transcriptional studies. Algorithms developed to predict the effect of missense changes on protein structure and function are either unavailable or do not agree on the potential impact of this missense change (SIFT: "Deleterious"; PolyPhen-2: "Probably Damaging"; Align-GVGD: "Class C0"). This variant has not been reported in the literature in individuals with TSC2-related conditions. This variant is not present in population databases (ExAC no frequency). This sequence change replaces phenylalanine with valine at codon 1606 of the TSC2 protein (p.Phe1606Val). The phenylalanine residue is highly conserved and there is a small physicochemical difference between phenylalanine and valine.